The following is an entry in ClinVar:

ClinVar aggregate classification (germline): Uncertain significance. Review status: criteria provided, multiple submitters, no conflicts (2 of 4 stars). 2 submissions from 2 submitters: Uncertain significance (2). Last evaluated 2026-01-05.

Conditions:
Long QT syndrome (LQTS). Identifiers: MedGen C0023976, MeSH D008133, MONDO:0002442. Disease mechanism: loss of function. Inheritance: Various modes of inheritance.

Submissions (2):

Labcorp Genetics (formerly Invitae), Labcorp
Classification: Uncertain significance for Long QT syndrome. Last evaluated: 2026-01-05. Review status: criteria provided, single submitter. Criteria: Invitae Variant Classification Sherloc (09022015). Collection method: clinical testing. Allele origin: germline.
Comment: This sequence change replaces phenylalanine, which is neutral and non-polar, with tyrosine, which is neutral and polar, at codon 351 of the CACNA1C protein (p.Phe351Tyr). This variant is not present in population databases (gnomAD no frequency). This variant has not been reported in the literature in individuals affected with CACNA1C-related conditions. ClinVar contains an entry for this variant (Variation ID: 451110). Invitae Evidence Modeling of protein sequence and biophysical properties (such as structural, functional, and spatial information, amino acid conservation, physicochemical variation, residue mobility, and thermodynamic stability) has been performed for this missense variant. However, the output from this modeling did not meet the statistical confidence thresholds required to predict the impact of this variant on CACNA1C protein function. In summary, the available evidence is currently insufficient to determine the role of this variant in disease. Therefore, it has been classified as a Variant of Uncertain Significance.

GeneDx
Classification: Uncertain significance. Last evaluated: 2017-08-09. Review status: criteria provided, single submitter. Criteria: GeneDx Variant Classification (06012015). Collection method: clinical testing. Allele origin: germline. Affected: yes.
Comment: A variant of uncertain significance has been identified in the CACNA1C gene. The F351Y variant has not been published as pathogenic or been reported as benign to our knowledge. This variant is not observed in large population cohorts (Lek et al., 2016; 1000 Genomes Consortium et al., 2015; Exome Variant Server). The F351Y variant is a non-conservative amino acid substitution, which is likely to impact secondary protein structure as these residues differ in polarity, charge, size and/or other properties. This substitution occurs at a position that is conserved across species, and in silico analysis predicts this variant is probably damaging to the protein structure/function. However, this variant lacks observation in a significant number of affected individuals, segregation data, and functional evidence, which would further clarify its pathogenicity.

NM_000719.7(CACNA1C):c.1052T>A (p.Phe351Tyr)

Gene: CACNA1C (calcium voltage-gated channel subunit alpha1 C; plus strand). Cytogenetic location: 12p13.33.
Variant type: single nucleotide variant.
Coding change: c.1052T>A on transcript NM_000719.7 (MANE Select); coding-DNA position 1052, T replaced by A.
Protein change: p.Phe351Tyr; replaces phenylalanine 351 with tyrosine.
Molecular consequence: missense variant.
Genome position (GRCh38, 1-based): chr12:2,493,325, T>A. VCF-style: chr12-2493325-T-A. GRCh37 (hg19) VCF-style: chr12-2602491-T-A.
Other names: c.1052T>A, p.Phe351Tyr (NM_001129827.2, NM_001129829.2, NM_001129830.3 and 18 more transcripts); c.1043T>A, p.Phe348Tyr (NM_001129844.2); short protein forms F351Y, F348Y.
Identifiers: ClinVar variation 451110 (VCV000451110.3), dbSNP rs1555672376, ClinGen allele CA383369920.